The following is an entry in ClinVar:

ClinVar aggregate classification (germline): Benign. Review status: criteria provided, multiple submitters, no conflicts (2 of 4 stars). 3 submissions from 3 submitters: Benign (3). Last evaluated 2026-02-03.

Allele frequency attached by ClinVar (database versions not stated): ESP Exome Variant Server 0.60771; ExAC 0.70164; 1000 Genomes Project 30x 0.57357; gnomAD exomes 0.68274; 1000 Genomes Project 0.57828; TOPMed 0.60295; gnomAD 0.62081.

Submissions (3):

Labcorp Genetics (formerly Invitae), Labcorp
Classification: Benign. Last evaluated: 2026-02-03. Review status: criteria provided, single submitter. Criteria: Invitae Variant Classification Sherloc (09022015). Collection method: clinical testing. Allele origin: germline.

GeneDx
Classification: Benign. Last evaluated: 2015-12-02. Review status: criteria provided, single submitter. Criteria: GeneDx Variant Classification (06012015). Collection method: clinical testing. Allele origin: germline. Affected: yes.
Comment: This variant is considered likely benign or benign based on one or more of the following criteria: it is a conservative change, it occurs at a poorly conserved position in the protein, it is predicted to be benign by multiple in silico algorithms, and/or has population frequency not consistent with disease.

Breakthrough Genomics
Classification: Benign. Review status: criteria provided, single submitter. Criteria: ACMG Guidelines, 2015. Collection method: not provided. Allele origin: germline. Inheritance: Unknown mechanism. Affected: yes.

NM_001079855.2(GYG2):c.716C>T (p.Ala239Val)

Gene: GYG2 (glycogenin 2; plus strand). Cytogenetic location: Xp22.33.
Variant type: single nucleotide variant.
Coding change: c.716C>T on transcript NM_001079855.2 (MANE Select); coding-DNA position 716, C replaced by T.
Protein change: p.Ala239Val; replaces alanine 239 with valine.
Molecular consequence: missense variant.
Genome position (GRCh38, 1-based): chrX:2,859,944, C>T. VCF-style: chrX-2859944-C-T. GRCh37 (hg19) VCF-style: chrX-2777985-C-T.
Other names: c.716C>T, p.Ala239Val (NM_001184702.2); c.809C>T, p.Ala270Val (NM_001184703.2, NM_003918.3); c.251C>T, p.Ala84Val (NM_001184704.2); short protein forms A270V, A84V, A239V.
Identifiers: ClinVar variation 379982 (VCV000379982.10), dbSNP rs2306734, ClinGen allele CA10337149.